The following is an entry in ClinVar:

NM_130839.5(UBE3A):c.647A>C (p.Gln216Pro)

Genes: SNHG14 (small nucleolar RNA host gene 14; plus strand), UBE3A (ubiquitin protein ligase E3A; minus strand). Cytogenetic location: 15q11.2.
Variant type: single nucleotide variant.
Coding change: c.647A>C on transcript NM_130839.5 (MANE Select); coding-DNA position 647, A replaced by C.
Protein change: p.Gln216Pro; replaces glutamine 216 with proline.
Molecular consequence: missense variant. On other transcripts: non-coding transcript variant (1), intron variant (2).
Genome position (GRCh38, 1-based): chr15:25,371,527, T>G on the plus strand (A>C on the coding strand, the complement: UBE3A is on the minus strand). VCF-style: chr15-25371527-T-G. GRCh37 (hg19) VCF-style: chr15-25616674-T-G.
Other names: c.656A>C, p.Gln219Pro (NM_000462.5); c.647A>C, p.Gln216Pro (NM_001354505.1, NM_001354538.2, NM_001354545.2); c.587A>C, p.Gln196Pro (NM_001354506.2, NM_001354507.2, NM_001354508.2 and 17 more transcripts); c.470A>C, p.Gln157Pro (NM_001354546.2); c.301+3938A>C (NM_001354551.2); c.361+3938A>C (NM_001354550.2); short protein forms Q196P, Q216P, Q219P, Q157P.
Identifiers: ClinVar variation 570862 (VCV000570862.12), dbSNP rs144950303, ClinGen allele CA7435605.
Genomic context (GRCh38, chr15:25,371,527, plus strand): 5'-ATGGCATCAATATCCACAGACACATCATCAGGGCCTAATTTTTGCAAATTGTTGTCTCCC[T>G]GTGAGCTATCACCTATCCTTGAGGAAGATGCTTCTGAGTCTTCTTCCATAGCAGCAGCAG-3'
Protein context (NP_570854.1, residues 206-226): ASSSRIGDSS[Gln216Pro]GDNNLQKLGP

ClinVar aggregate classification (germline): Uncertain significance. Review status: criteria provided, multiple submitters, no conflicts (2 of 4 stars). 3 submissions from 3 submitters: Uncertain significance (3). Last evaluated 2025-10-27.

Conditions:
Angelman syndrome (AS). Also called: HAPPY PUPPET SYNDROME. Identifiers: Orphanet 72, MedGen C0162635, MONDO:0007113, OMIM 105830. Disease mechanism: loss of function. Inheritance: AS is caused by disruption of maternally imprinted UBE3A located within the 15q11.2-q13 Angelman syndrome/Prader-Willi syndrome (AS/PWS) region., imprinting disorder.

Allele frequency attached by ClinVar (database versions not stated): gnomAD 0.00003 and 0.00005; TOPMed 0.00005; ESP Exome Variant Server 0.00008.
gnomAD v4.1: 20 of 1,614,056 alleles (0.0012%); highest among the groups gnomAD compares: Admixed American, 0.0067%; no homozygotes.

Submissions (3):

GeneDx
Classification: Uncertain significance. Last evaluated: 2025-10-27. Review status: criteria provided, single submitter. Criteria: GeneDx Variant Classification Process June 2021. Collection method: clinical testing. Allele origin: germline. Affected: yes.
Comment: Published functional studies demonstrate variant results in slight gain of function (PMID: 34815418); Not observed at significant frequency in large population cohorts (gnomAD); In silico analysis suggests that this missense variant does not alter protein structure/function; This variant is associated with the following publications: (PMID: 32055024, 34815418)

Labcorp Genetics (formerly Invitae), Labcorp
Classification: Uncertain significance for Angelman syndrome. Last evaluated: 2025-04-02. Review status: criteria provided, single submitter. Criteria: Invitae Variant Classification Sherloc (09022015). Collection method: clinical testing. Allele origin: germline.
Comment: This sequence change replaces glutamine, which is neutral and polar, with proline, which is neutral and non-polar, at codon 196 of the UBE3A protein (p.Gln196Pro). This variant is present in population databases (rs144950303, gnomAD 0.003%). This variant has not been reported in the literature in individuals affected with UBE3A-related conditions. ClinVar contains an entry for this variant (Variation ID: 570862). Invitae Evidence Modeling of protein sequence and biophysical properties (such as structural, functional, and spatial information, amino acid conservation, physicochemical variation, residue mobility, and thermodynamic stability) has been performed for this missense variant. However, the output from this modeling did not meet the statistical confidence thresholds required to predict the impact of this variant on UBE3A protein function. Experimental studies are conflicting or provide insufficient evidence to determine the effect of this variant on UBE3A function (PMID: 34815418). In summary, the available evidence is currently insufficient to determine the role of this variant in disease. Therefore, it has been classified as a Variant of Uncertain Significance.

ARUP Laboratories, Molecular Genetics and Genomics, ARUP Laboratories
Classification: Uncertain significance for Angelman syndrome. Last evaluated: 2024-04-26. Review status: criteria provided, single submitter. Criteria: ARUP Molecular Germline Variant Investigation Process 2024. Collection method: clinical testing. Allele origin: germline.

Literature cited by the submitters: PubMed 34815418 (cited by Labcorp Genetics (formerly Invitae), Labcorp).